The following is an entry in ClinVar:

NM_020159.5(SMARCAD1):c.2267A>G (p.Asn756Ser)

Gene: SMARCAD1 (SNF2 related chromatin remodeling ATPase with DExD box 1; plus strand). Cytogenetic location: 4q22.3.
Variant type: single nucleotide variant.
Coding change: c.2267A>G on transcript NM_020159.5 (MANE Select); coding-DNA position 2267, A replaced by G.
Protein change: p.Asn756Ser; replaces asparagine 756 with serine.
Molecular consequence: missense variant. On other transcripts: non-coding transcript variant (17).
Genome position (GRCh38, 1-based): chr4:94,278,704, A>G. VCF-style: chr4-94278704-A-G. GRCh37 (hg19) VCF-style: chr4-95199855-A-G.
Other names: NC_000004.11:g.95199855A>G; c.2267A>G (NM_001128429.1); c.2267A>G, p.Asn756Ser (NM_001128429.3, NM_001128430.2, NM_001375855.1 and 1 more transcripts); c.977A>G, p.Asn326Ser (NM_001254949.2, NM_001375859.1); c.2264A>G, p.Asn755Ser (NM_001375857.1); c.2246A>G, p.Asn749Ser (NM_001375858.1); short protein forms N326S, N749S, N755S, N756S.
Identifiers: ClinVar variation 3041182 (VCV003041182.5), dbSNP rs142593051, ClinGen allele CA3013532.

ClinVar aggregate classification (germline): Conflicting classifications of pathogenicity. Review status: criteria provided, conflicting classifications (1 of 4 stars). 3 submissions from 3 submitters: Uncertain significance (1); Likely benign (1). 1 of the submissions does not count toward it. Last evaluated 2024-09-23.

Conditions:
Inborn genetic diseases. Identifiers: MedGen C0950123, MeSH D030342.
SMARCAD1-related disorder. Also called: SMARCAD1-related condition.

Allele frequency attached by ClinVar (database versions not stated): gnomAD exomes 0.00014; ExAC 0.00045; 1000 Genomes Project 30x 0.00094; 1000 Genomes Project 0.00100; gnomAD 0.00129; TOPMed 0.00148; ESP Exome Variant Server 0.00208.
gnomAD v4.1: 416 of 1,614,092 alleles (0.026%); highest among the groups gnomAD compares: African/African-American, 0.48%; 2 homozygotes.

Submissions (4):

Blueprint Genetics
Classification: Likely benign. Last evaluated: 2024-09-23. Review status: criteria provided, single submitter. Criteria: ACMG Guidelines, 2015. Collection method: clinical testing. Allele origin: germline.

Ambry Genetics
Classification: Uncertain significance for Inborn genetic diseases. Last evaluated: 2024-08-11. Review status: criteria provided, single submitter. Criteria: Ambry Variant Classification Scheme 2023. Collection method: clinical testing. Allele origin: germline.

PreventionGenetics, part of Exact Sciences
Classification: Benign for SMARCAD1-related condition. Last evaluated: 2020-01-02. Review status: no assertion criteria provided. Collection method: clinical testing. Allele origin: germline. Not counted in ClinVar's aggregate classification.
Comment: This variant is classified as benign based on ACMG/AMP sequence variant interpretation guidelines (Richards et al. 2015 PMID: 25741868, with internal and published modifications).

Dr. Peter K. Rogan Lab, Western University
No classification provided (evidence only). Condition: Thyroid cancer, nonmedullary, 1. Review status: no classification provided. Collection method: in vitro. Allele origin: not applicable. Functional consequence: retained intron. Not counted in ClinVar's aggregate classification.